The following is an entry in ClinVar:

NM_000088.4(COL1A1):c.2288G>A (p.Arg763His)

Gene: COL1A1 (collagen type I alpha 1 chain; minus strand). Cytogenetic location: 17q21.33.
Variant type: single nucleotide variant.
Coding change: c.2288G>A on transcript NM_000088.4 (MANE Select); coding-DNA position 2288, G replaced by A.
Protein change: p.Arg763His; replaces arginine 763 with histidine.
Molecular consequence: missense variant.
Genome position (GRCh38, 1-based): chr17:50,190,872, C>T on the plus strand (G>A on the coding strand, the complement: COL1A1 is on the minus strand). VCF-style: chr17-50190872-C-T. GRCh37 (hg19) VCF-style: chr17-48268233-C-T.
Other names: short protein forms R763H.
Identifiers: ClinVar variation 284528 (VCV000284528.68), dbSNP rs144820445, ClinGen allele CA8644877.

ClinVar aggregate classification (germline): Conflicting classifications of pathogenicity. Review status: criteria provided, conflicting classifications (1 of 4 stars). 8 submissions from 8 submitters: Uncertain significance (7); Likely benign (1). Last evaluated 2025-12-06.

Conditions:
Cardiovascular phenotype. Identifiers: MedGen CN230736.
Osteogenesis imperfecta type I (OI1). Also called: Osteogenesis imperfecta type 1; Lobstein's Disease; Classic Non-deforming Osteogenesis Imperfecta with Blue Sclerae; OI, TYPE I; OSTEOGENESIS IMPERFECTA TARDA; OSTEOGENESIS IMPERFECTA WITH BLUE SCLERAE. Identifiers: Orphanet 216796, Orphanet 666, MedGen C0023931, MONDO:0008146, OMIM 166200. Disease mechanism: loss of function.

Allele frequency attached by ClinVar (database versions not stated): gnomAD 0.00005 and 0.00006; TOPMed 0.00005; ESP Exome Variant Server 0.00023; gnomAD exomes 0.00001 and 0.00003; ExAC 0.00005.
gnomAD v4.1: 22 of 1,613,758 alleles (0.0014%); highest among the groups gnomAD compares: African/African-American, 0.011%; no homozygotes.

Submissions (8):

Labcorp Genetics (formerly Invitae), Labcorp
Classification: Likely benign for Osteogenesis imperfecta type I. Last evaluated: 2025-12-06. Review status: criteria provided, single submitter. Criteria: Invitae Variant Classification Sherloc (09022015). Collection method: clinical testing. Allele origin: germline.

Women's Health and Genetics/Laboratory Corporation of America, LabCorp
Classification: Uncertain significance. Last evaluated: 2025-11-03. Review status: criteria provided, single submitter. Criteria: LabCorp Variant Classification Summary - May 2015. Collection method: clinical testing. Allele origin: germline.
Comment: Variant summary: COL1A1 c.2288G>A (p.Arg763His) results in a non-conservative amino acid change located in the Collagen triple helix repeat domain (IPR008160) of the encoded protein sequence. Algorithms developed to predict the effect of missense changes on protein structure and function all suggest that this variant is likely to be disruptive. The variant allele was found at a frequency of 2.8e-05 in 251324 control chromosomes. The available data on variant occurrences in the general population are insufficient to allow any conclusion about variant significance. To our knowledge, no occurrence of c.2288G>A in individuals affected with COL1A1-related conditions and no experimental evidence demonstrating its impact on protein function have been reported. ClinVar contains an entry for this variant (Variation ID: 284528). Based on the evidence outlined above, the variant was classified as uncertain significance.

Ambry Genetics
Classification: Uncertain significance for Cardiovascular phenotype. Last evaluated: 2024-10-10. Review status: criteria provided, single submitter. Criteria: Ambry Variant Classification Scheme 2023. Collection method: clinical testing. Allele origin: germline.
Comment: The p.R763H variant (also known as c.2288G>A), located in coding exon 33 of the COL1A1 gene, results from a G to A substitution at nucleotide position 2288. The arginine at codon 763 is replaced by histidine, an amino acid with highly similar properties. This amino acid position is highly conserved in available vertebrate species. In addition, this alteration is predicted to be deleterious by in silico analysis. Based on the available evidence, the clinical significance of this variant remains unclear.

GeneDx
Classification: Uncertain significance. Last evaluated: 2024-05-22. Review status: criteria provided, single submitter. Criteria: GeneDx Variant Classification Process June 2021. Collection method: clinical testing. Allele origin: germline. Affected: yes.
Comment: Has not been previously published in association with a COL1A1-related disorder to our knowledge; Occurs in the triple helical domain at the Y position in the canonical Gly-X-Y repeat; although this variant may have an effect on normal protein folding and function, missense substitution at the Y position is not a common mechanism of disease (HGMD); In silico analysis supports that this missense variant has a deleterious effect on protein structure/function; This variant is associated with the following publications: (PMID: 32860304)

Centre of Medical Genetics, University Hospital Muenster
Classification: Uncertain significance. Last evaluated: 2021-12-05. Review status: criteria provided, single submitter. Criteria: ACMG Guidelines, 2015. Collection method: clinical testing. Allele origin: unknown. Affected: yes. Observed: 1 variant allele, 1 heterozygote.
Comment: ACMG categories: PM2,PP3,PP4

Revvity Omics, Revvity
Classification: Uncertain significance. Last evaluated: 2021-07-08. Review status: criteria provided, single submitter. Criteria: ACMG Guidelines, 2015. Collection method: clinical testing. Allele origin: germline.

CeGaT Center for Human Genetics Tuebingen
Classification: Uncertain significance. Last evaluated: 2019-01-01. Review status: criteria provided, single submitter. Criteria: CeGaT Center For Human Genetics Tuebingen Variant Classification Criteria Version 2. Collection method: clinical testing. Allele origin: germline. Affected: yes. Observed: 3 variant alleles.

Eurofins Ntd Llc (ga)
Classification: Uncertain significance. Last evaluated: 2015-11-17. Review status: criteria provided, single submitter. Criteria: EGL Classification Definitions 2015. Collection method: clinical testing. Allele origin: germline. Observed: 1 variant allele, 1 heterozygote.